The following is an entry in ClinVar:

NM_024675.4(PALB2):c.1013_1016delinsTGG (p.Pro338fs)

Gene: PALB2 (partner and localizer of BRCA2; minus strand). Cytogenetic location: 16p12.2.
Variant type: Indel.
Coding change: c.1013_1016delinsTGG on transcript NM_024675.4 (MANE Select); coding-DNA positions 1013 to 1016, CAGC replaced by TGG.
Protein change: p.Pro338fs; shifts the reading frame from proline 338.
Molecular consequence: frameshift variant. On other transcripts: intron variant (3).
Genome position (GRCh38, 1-based): chr16:23,635,530-23,635,533, GCTG replaced by CCA on the plus strand (CAGC replaced by TGG on the coding strand, the reverse complement: PALB2 is on the minus strand). VCF-style: chr16-23635530-GCTG-CCA. GRCh37 (hg19) VCF-style: chr16-23646851-GCTG-CCA.
Other names: c.128_131delinsTGG, p.Pro43fs (NM_001407307.1, NM_001407309.1, NM_001407310.1 and 5 more transcripts); c.953_956delinsTGG, p.Pro318fs (NM_001407296.1); c.1013_1016delinsTGG, p.Pro338fs (NM_001407297.1, NM_001407298.1, NM_001407299.1 and 3 more transcripts); c.48+5577_48+5580delinsTGG (NM_001407314.1); c.-104-5064_-104-5061delinsTGG (NM_001407313.1, NM_001407312.1); short protein forms P318fs, P338fs, P43fs.
Identifiers: ClinVar variation 2674048 (VCV002674048.2), dbSNP rs2506492135, ClinGen allele CA2695197518.

ClinVar aggregate classification (germline): Pathogenic. Review status: criteria provided, multiple submitters, no conflicts (2 of 4 stars). 2 submissions from 2 submitters: Pathogenic (2). Last evaluated 2024-02-14.

Conditions:
Hereditary cancer-predisposing syndrome. Also called: Tumor predisposition; Hereditary neoplastic syndrome; Neoplastic Syndromes, Hereditary; Hereditary Cancer Syndrome. Identifiers: Orphanet 140162, MedGen C0027672, MeSH D009386, MONDO:0015356.
Familial cancer of breast. Also called: Hereditary breast cancer; BREAST CANCER, FAMILIAL; hereditary breast carcinoma. Identifiers: Orphanet 227535, MedGen C0346153, MONDO:0016419, OMIM 114480. Disease mechanism: loss of function.

Submissions (2):

Ambry Genetics
Classification: Pathogenic for Hereditary cancer-predisposing syndrome. Last evaluated: 2024-02-14. Review status: criteria provided, single submitter. Criteria: Ambry Variant Classification Scheme 2023. Collection method: clinical testing. Allele origin: germline.
Comment: The c.1013_1016delCAGCinsTGG pathogenic mutation, located in coding exon 4 of the PALB2 gene, results from the deletion of 4 nucleotides and insertion of 3 nucleotides causing a translational frameshift with a predicted alternate stop codon (p.P338Lfs*8). This variant is considered to be rare based on population cohorts in the Genome Aggregation Database (gnomAD). This alteration is expected to result in loss of function by premature protein truncation or nonsense-mediated mRNA decay. As such, this alteration is interpreted as a disease-causing mutation.

Myriad Genetics, Inc.
Classification: Pathogenic for Familial cancer of breast. Last evaluated: 2023-09-07. Review status: criteria provided, single submitter. Criteria: Myriad Autosomal Dominant, Autosomal Recessive and X-Linked Classification Criteria (2023). Collection method: clinical testing. Allele origin: unknown.
Comment: This variant is considered pathogenic. This variant creates a frameshift predicted to result in premature protein truncation.